The following is an entry in ClinVar:

NM_001048174.2(MUTYH):c.631G>T (p.Val211Leu)

Gene: MUTYH (mutY DNA glycosylase; minus strand). Cytogenetic location: 1p34.1.
Variant type: single nucleotide variant.
Coding change: c.631G>T on transcript NM_001048174.2 (MANE Select); coding-DNA position 631, G replaced by T.
Protein change: p.Val211Leu; replaces valine 211 with leucine.
Molecular consequence: missense variant. On other transcripts: non-coding transcript variant (2).
Genome position (GRCh38, 1-based): chr1:45,332,464, C>A on the plus strand (G>T on the coding strand, the complement: MUTYH is on the minus strand). VCF-style: chr1-45332464-C-A. GRCh37 (hg19) VCF-style: chr1-45798136-C-A.
Other names: c.631G>T, p.Val211Leu (NM_001048173.2, NM_001293195.2, NM_001407070.1 and 6 more transcripts); c.715G>T, p.Val239Leu (NM_001128425.2); c.676G>T, p.Val226Leu (NM_001293190.2); c.664G>T, p.Val222Leu (NM_001293191.2, NM_001407069.1, NM_001407077.1); c.355G>T, p.Val119Leu (NM_001293192.2, NM_001293196.2, NM_001407091.1); c.286G>T, p.Val96Leu (NM_001350650.2, NM_001350651.2, NM_001407082.1); c.634G>T, p.Val212Leu (NM_001407071.1, NM_001407078.1, NM_001407086.1 and 1 more transcripts); c.547G>T, p.Val183Leu (NM_001407075.1); and 5 more; short protein forms V211L, V218L, V222L, V239L, V197L, V212L, V225L, V226L.
Identifiers: ClinVar variation 2119286 (VCV002119286.4), dbSNP rs759295912, ClinGen allele CA340134880.
Genomic context (GRCh38, chr1:45,332,464, plus strand): 5'-AAACAAGGGTGCTGCTGGGATCAGCACCAATGGCTCGGACACGGCACAGCACCCGTGCTA[C>A]GTTGCCATCCACCACACCGGTTGCCTGGCACAGAGGGGCCAAAGAGTTAGCCTGGGCTGG-3'
Protein context (NP_001041639.1, residues 201-221): GQATGVVDGN[Val211Leu]ARVLCRVRAI

ClinVar aggregate classification (germline): Uncertain significance (1 of 4 stars; one submission).

Conditions:
Familial adenomatous polyposis 2. Also called: MUTYH Polyposis; COLORECTAL ADENOMATOUS POLYPOSIS, AUTOSOMAL RECESSIVE; ADENOMAS, MULTIPLE COLORECTAL, AUTOSOMAL RECESSIVE; MUTYH-associated polyposis; MYH-associated polyposis; MUTYH-related attenuated familial adenomatous polyposis. Identifiers: Orphanet 220460, Orphanet 247798, MedGen C3272841, MONDO:0012041, OMIM 608456.

Submission:

Labcorp Genetics (formerly Invitae), Labcorp
Classification: Uncertain significance for Familial adenomatous polyposis 2. Last evaluated: 2022-03-29. Review status: criteria provided, single submitter. Criteria: Invitae Variant Classification Sherloc (09022015). Collection method: clinical testing. Allele origin: germline.
Comment: Algorithms developed to predict the effect of missense changes on protein structure and function (SIFT, PolyPhen-2, Align-GVGD) all suggest that this variant is likely to be disruptive. In summary, the available evidence is currently insufficient to determine the role of this variant in disease. Therefore, it has been classified as a Variant of Uncertain Significance. This variant has not been reported in the literature in individuals affected with MUTYH-related conditions. This variant is not present in population databases (gnomAD no frequency). This sequence change replaces valine, which is neutral and non-polar, with leucine, which is neutral and non-polar, at codon 239 of the MUTYH protein (p.Val239Leu).